The following is an entry in ClinVar:

ClinVar aggregate classification (germline): Pathogenic/Likely pathogenic. Review status: criteria provided, multiple submitters, no conflicts (2 of 4 stars). 5 submissions from 5 submitters: Pathogenic (3); Likely pathogenic (2). Last evaluated 2025-12-24.

Conditions:
Propionic acidemia (PROP). Also called: GLYCINEMIA, KETOTIC; HYPERGLYCINEMIA WITH KETOACIDOSIS AND LEUKOPENIA; KETOTIC HYPERGLYCINEMIA. Identifiers: Orphanet 35, MedGen C0268579, MONDO:0011628, OMIM 606054, HP:0003571.

Allele frequency attached by ClinVar (database versions not stated): gnomAD exomes below 0.00001; gnomAD 0.00001.

Submissions (5):

Labcorp Genetics (formerly Invitae), Labcorp
Classification: Pathogenic for Propionic acidemia. Last evaluated: 2025-12-24. Review status: criteria provided, single submitter. Criteria: Invitae Variant Classification Sherloc (09022015). Collection method: clinical testing. Allele origin: germline.
Comment: This sequence change affects a splice site in intron 13 of the PCCB gene. It is expected to disrupt RNA splicing. Variants that disrupt the donor or acceptor splice site typically lead to a loss of protein function (PMID: 16199547), and loss-of-function variants in PCCB are known to be pathogenic (PMID: 15464417). This variant is present in population databases (no rsID available, gnomAD 0.007%). Disruption of this splice site has been observed in individual(s) with propionic acidemia (internal data). In at least one individual the data is consistent with being in trans (on the opposite chromosome) from a pathogenic variant. ClinVar contains an entry for this variant (Variation ID: 1072010). Algorithms developed to predict the effect of sequence changes on RNA splicing suggest that this variant may disrupt the consensus splice site. For these reasons, this variant has been classified as Pathogenic.

Natera, Inc.
Classification: Likely pathogenic for Propionic acidemia. Last evaluated: 2024-08-23. Review status: criteria provided, single submitter. Criteria: Natera Variant Classification Schema (03/2026). Collection method: clinical testing. Allele origin: germline.
Comment: The c.1399-2_1399-1del variant in PCCB is a canonical splice acceptor site variant predicted to affect pre-mRNA splicing, which may result in an abnormal transcript and altered protein product. This variant is expected to result in nonsense mediated decay, truncation, or a dysfunctional protein product. This variant is rare in the general population with a frequency below the threshold expected for the associated phenotype(s). Functional studies show that this variant may disrupt protein function (PMID: 30274917). Given the available evidence, this variant is classified as Likely Pathogenic.

Baylor Genetics
Classification: Pathogenic for Propionic acidemia. Last evaluated: 2024-03-20. Review status: criteria provided, single submitter. Criteria: ACMG Guidelines, 2015. Collection method: clinical testing. Allele origin: unknown.

Fulgent Genetics
Classification: Likely pathogenic for Propionic acidemia. Last evaluated: 2024-03-14. Review status: criteria provided, single submitter. Criteria: ACMG Guidelines, 2015. Collection method: clinical testing. Allele origin: germline.

CeGaT Center for Human Genetics Tuebingen
Classification: Pathogenic. Last evaluated: 2021-11-01. Review status: criteria provided, single submitter. Criteria: CeGaT Center For Human Genetics Tuebingen Variant Classification Criteria Version 2. Collection method: clinical testing. Allele origin: germline. Affected: yes. Observed: 1 variant allele.

Literature cited by the submitters: PubMed 16199547 (cited by Labcorp Genetics (formerly Invitae), Labcorp); PubMed 15464417 (cited by Labcorp Genetics (formerly Invitae), Labcorp); PubMed 30274917 (cited by Natera, Inc.).

NM_000532.5(PCCB):c.1399-2_1399-1del

Gene: PCCB (propionyl-CoA carboxylase subunit beta; plus strand). Cytogenetic location: 3q22.3.
Variant type: Deletion.
Coding change: c.1399-2_1399-1del on transcript NM_000532.5 (MANE Select); the canonical splice acceptor site of the intron before coding-DNA position 1399, 2 bases deleted (AG; older notation c.1399-2_1399-1delAG).
Molecular consequence: splice acceptor variant.
Genome position (GRCh38, 1-based): chr3:136,328,756-136,328,757, AG deleted. VCF-style (leftmost placement, unchanged base first): chr3-136328755-CAG-C. GRCh37 (hg19) VCF-style: chr3-136047597-CAG-C.
Other names: c.1459-2_1459-1del (NM_001178014.2); c.1399-2_1399-1del (NM_000532.4).
Identifiers: ClinVar variation 1072010 (VCV001072010.44), dbSNP rs1317123493, ClinGen allele CA546477419.